The following is an entry in ClinVar:

ClinVar aggregate classification (germline): Uncertain significance. Review status: criteria provided, multiple submitters, no conflicts (2 of 4 stars). 2 submissions from 2 submitters: Uncertain significance (2). Last evaluated 2023-08-10.

Conditions:
Familial hypobetalipoproteinemia 1. Also called: Hypobetalipoproteinemia, normotriglyceridemic; Acanthocytosis with hypobetalipoproteinemia; APOB-Related Familial Hypobetalipoproteinemia. Identifiers: MedGen C4551990, MONDO:0014252, OMIM 615558.
Hypercholesterolemia, autosomal dominant, type B (FHCL2). Also called: Familial Hypercholesterolemia Type B; HYPERCHOLESTEROLEMIA, FAMILIAL, DUE TO LIGAND-DEFECTIVE APOLIPOPROTEIN B; Familial hypercholesterolemia 2; APOB-Related Familial Hypercholesterolemia, Autosomal Dominant; APOLIPOPROTEIN B-100, FAMILIAL DEFECTIVE; APOLIPOPROTEIN B-100, FAMILIAL LIGAND-DEFECTIVE. Identifiers: MedGen C1704417, MONDO:0007751, OMIM 144010.
Cardiovascular phenotype. Identifiers: MedGen CN230736.

Allele frequency attached by ClinVar (database versions not stated): gnomAD exomes below 0.00001 and 0.00003; ExAC 0.00001; gnomAD 0.00002; TOPMed 0.00002; ESP Exome Variant Server 0.00015.
gnomAD v4.1: 41 of 1,613,904 alleles (0.0025%); highest among the groups gnomAD compares: Non-Finnish European, 0.0032%; no homozygotes.

Submissions (2):

Ambry Genetics
Classification: Uncertain significance for Cardiovascular phenotype. Last evaluated: 2023-08-10. Review status: criteria provided, single submitter. Criteria: Ambry Variant Classification Scheme 2023. Collection method: clinical testing. Allele origin: germline.
Comment: The p.I3696T variant (also known as c.11087T>C), located in coding exon 26 of the APOB gene, results from a T to C substitution at nucleotide position 11087. The isoleucine at codon 3696 is replaced by threonine, an amino acid with similar properties. This alteration has been reported in a familial hypercholesterolemia cohort; however, clinical details were limited (Di Taranto MD et al. Clin Genet, 2021 Nov;100:529-541). This amino acid position is poorly conserved in available vertebrate species. In addition, this alteration is predicted to be tolerated by in silico analysis. Since supporting evidence is limited at this time, the clinical significance of this alteration remains unclear.

Fulgent Genetics
Classification: Uncertain significance for Hypercholesterolemia, autosomal dominant, type B; Familial hypobetalipoproteinemia 1. Last evaluated: 2021-10-26. Review status: criteria provided, single submitter. Criteria: ACMG Guidelines, 2015. Collection method: clinical testing. Allele origin: unknown.

Literature cited by the submitters: PubMed 34297352 (cited by Ambry Genetics).

NM_000384.3(APOB):c.11087T>C (p.Ile3696Thr)

Gene: APOB (apolipoprotein B; minus strand). Cytogenetic location: 2p24.1.
Variant type: single nucleotide variant.
Coding change: c.11087T>C on transcript NM_000384.3 (MANE Select); coding-DNA position 11087, T replaced by C.
Protein change: p.Ile3696Thr; replaces isoleucine 3696 with threonine.
Molecular consequence: missense variant.
Genome position (GRCh38, 1-based): chr2:21,005,781, A>G on the plus strand (T>C on the coding strand, the complement: APOB is on the minus strand). VCF-style: chr2-21005781-A-G. GRCh37 (hg19) VCF-style: chr2-21228653-A-G.
Other names: short protein forms I3696T.
Identifiers: ClinVar variation 922428 (VCV000922428.4), dbSNP rs370096275, ClinGen allele CA045449.